The following is an entry in ClinVar:

NM_000410.4(HFE):c.389A>G (p.Asn130Ser)

Gene: HFE (homeostatic iron regulator; plus strand). Cytogenetic location: 6p22.2.
Variant type: single nucleotide variant.
Coding change: c.389A>G on transcript NM_000410.4 (MANE Select); coding-DNA position 389, A replaced by G.
Protein change: p.Asn130Ser; replaces asparagine 130 with serine.
Molecular consequence: missense variant. On other transcripts: intron variant (4).
Genome position (GRCh38, 1-based): chr6:26,091,362, A>G. VCF-style: chr6-26091362-A-G. GRCh37 (hg19) VCF-style: chr6-26091590-A-G.
Other names: c.389A>G, p.Asn130Ser (NM_001300749.3, NM_001384164.1, NM_001406751.1 and 1 more transcripts); c.125A>G, p.Asn42Ser (NM_001406752.1, NM_139007.3, NM_139008.3); c.320A>G, p.Asn107Ser (NM_139009.3); c.340+258A>G (NM_139004.3, NM_139003.3); c.77-1323A>G (NM_139010.3); c.77-1757A>G (NM_139011.3); short protein forms N130S, N107S, N42S.
Identifiers: ClinVar variation 461191 (VCV000461191.8), dbSNP rs201885016, ClinGen allele CA3666644.

ClinVar aggregate classification (germline): Uncertain significance. Review status: criteria provided, multiple submitters, no conflicts (2 of 4 stars). 2 submissions from 2 submitters: Uncertain significance (2). Last evaluated 2025-12-10.

Conditions:
Inborn genetic diseases. Identifiers: MedGen C0950123, MeSH D030342.
Hereditary hemochromatosis (HFE). Identifiers: MedGen C0392514, MONDO:0006507. Disease mechanism: loss of function.

Allele frequency attached by ClinVar (database versions not stated): ExAC 0.00001; gnomAD exomes 0.00001; TOPMed 0.00003; gnomAD 0.00001.
gnomAD v4.1: 20 of 1,614,030 alleles (0.0012%); highest among the groups gnomAD compares: Admixed American, 0.0017%; 1 homozygote.

Submissions (2):

Ambry Genetics
Classification: Uncertain significance for Inborn genetic diseases. Last evaluated: 2025-12-10. Review status: criteria provided, single submitter. Criteria: Ambry Variant Classification Scheme 2023. Collection method: clinical testing. Allele origin: germline.

Labcorp Genetics (formerly Invitae), Labcorp
Classification: Uncertain significance for Hereditary hemochromatosis. Last evaluated: 2024-11-18. Review status: criteria provided, single submitter. Criteria: Invitae Variant Classification Sherloc (09022015). Collection method: clinical testing. Allele origin: germline.
Comment: This sequence change replaces asparagine, which is neutral and polar, with serine, which is neutral and polar, at codon 130 of the HFE protein (p.Asn130Ser). This variant is present in population databases (rs201885016, gnomAD 0.003%). This missense change has been observed in individual(s) with clinical features of HFE-related conditions (internal data). ClinVar contains an entry for this variant (Variation ID: 461191). Invitae Evidence Modeling of protein sequence and biophysical properties (such as structural, functional, and spatial information, amino acid conservation, physicochemical variation, residue mobility, and thermodynamic stability) indicates that this missense variant is not expected to disrupt HFE protein function with a negative predictive value of 80%. In summary, the available evidence is currently insufficient to determine the role of this variant in disease. Therefore, it has been classified as a Variant of Uncertain Significance.